The following is an entry in ClinVar:

NM_004523.4(KIF11):c.1683_1684insCA (p.Val562fs)

Gene: KIF11 (kinesin family member 11; plus strand). Cytogenetic location: 10q23.33.
Variant type: Insertion.
Coding change: c.1683_1684insCA on transcript NM_004523.4 (MANE Select); coding-DNA positions 1683 to 1684, CA inserted.
Protein change: p.Val562fs; shifts the reading frame from valine 562.
Molecular consequence: frameshift variant.
Genome position: GRCh38 VCF-style: chr10-92632673-A-AAC. GRCh37 (hg19) VCF-style: chr10-94392430-A-AAC.
Other names: short protein forms V562fs.
Identifiers: ClinVar variation 2108252 (VCV002108252.4), dbSNP rs2492519396, ClinGen allele CA2580082341.

ClinVar aggregate classification (germline): Pathogenic (1 of 4 stars; one submission).

Submission:

Labcorp Genetics (formerly Invitae), Labcorp
Classification: Pathogenic. Last evaluated: 2022-03-10. Review status: criteria provided, single submitter. Criteria: Invitae Variant Classification Sherloc (09022015). Collection method: clinical testing. Allele origin: germline.
Comment: This variant is not present in population databases (gnomAD no frequency). For these reasons, this variant has been classified as Pathogenic. This variant has not been reported in the literature in individuals affected with KIF11-related conditions. This sequence change creates a premature translational stop signal (p.Val562Glnfs*18) in the KIF11 gene. It is expected to result in an absent or disrupted protein product. Loss-of-function variants in KIF11 are known to be pathogenic (PMID: 22284827, 24281367).

Literature cited by the submitters: PubMed 22284827; PubMed 24281367.